The following is an entry in ClinVar:

ClinVar aggregate classification (germline): Uncertain significance (1 of 4 stars; one submission).

Conditions:
Hereditary cancer-predisposing syndrome. Also called: Hereditary Cancer Syndrome; Neoplastic Syndromes, Hereditary; Tumor predisposition; Hereditary neoplastic syndrome. Identifiers: Orphanet 140162, MedGen C0027672, MeSH D009386, MONDO:0015356.

Submission:

Ambry Genetics
Classification: Uncertain significance for Hereditary cancer-predisposing syndrome. Last evaluated: 2026-08-11. Review status: criteria provided, single submitter. Criteria: Ambry Variant Classification Scheme 2023. Collection method: clinical testing. Allele origin: germline.
Comment: The p.A34G variant (also known as c.101C>G), located in coding exon 1 of the ALK gene, results from a C to G substitution at nucleotide position 101. The alanine at codon 34 is replaced by glycine, an amino acid with similar properties. This amino acid position is conserved. In addition, this alteration is predicted to be tolerated by in silico analysis. Based on the available evidence, the clinical significance of this variant remains unclear.

NM_004304.5(ALK):c.101C>G (p.Ala34Gly)

Gene: ALK (ALK receptor tyrosine kinase; minus strand). Cytogenetic location: 2p23.1.
Variant type: single nucleotide variant.
Coding change: c.101C>G on transcript NM_004304.5 (MANE Select); coding-DNA position 101, C replaced by G.
Protein change: p.Ala34Gly; replaces alanine 34 with glycine.
Molecular consequence: missense variant.
Genome position (GRCh38, 1-based): chr2:29,920,559, G>C on the plus strand (C>G on the coding strand, the complement: ALK is on the minus strand). VCF-style: chr2-29920559-G-C. GRCh37 (hg19) VCF-style: chr2-30143425-G-C.
Other names: short protein forms A34G.
Identifiers: ClinVar variation 5035490 (VCV005035490.1).
Genomic context (GRCh38, chr2:29,920,559, plus strand): 5'-AGACTCTTCCTCTGCAGGCGCGAGTAGCTGAGTGGCTCCCGGGGCTGCAGCGGCGGCCCC[G>C]CAGCTGGGGAGCCCGCGCGCTGGCCGGTCCCCATCCCGGAGCCCACAGCTGCCGTGGAAA-3'
Protein context (NP_004295.2, residues 24-44): GTGQRAGSPA[Ala34Gly]GPPLQPREPL